The following is an entry in ClinVar:

NM_000138.5(FBN1):c.3715A>G (p.Ile1239Val)

Gene: FBN1 (fibrillin 1; minus strand). Cytogenetic location: 15q21.1.
Variant type: single nucleotide variant.
Coding change: c.3715A>G on transcript NM_000138.5 (MANE Select); coding-DNA position 3715, A replaced by G.
Protein change: p.Ile1239Val; replaces isoleucine 1239 with valine.
Molecular consequence: missense variant.
Genome position (GRCh38, 1-based): chr15:48,483,941, T>C on the plus strand (A>G on the coding strand, the complement: FBN1 is on the minus strand). VCF-style: chr15-48483941-T-C. GRCh37 (hg19) VCF-style: chr15-48776138-T-C.
Other names: c.3715A>G, p.Ile1239Val (NM_001406716.1); short protein forms I1239V.
Identifiers: ClinVar variation 4758557 (VCV004758557.1).

ClinVar aggregate classification (germline): Uncertain significance (1 of 4 stars; one submission).

Conditions:
Familial thoracic aortic aneurysm and aortic dissection (TAAD). Also called: Thoracic aortic aneurysms and dissections. Identifiers: Orphanet 91387, MedGen C4707243, MONDO:0019625.

Submission:

Color Diagnostics, LLC DBA Color Health
Classification: Uncertain significance for Familial thoracic aortic aneurysm and aortic dissection. Last evaluated: 2024-07-10. Review status: criteria provided, single submitter. Criteria: ACMG Guidelines, 2015. Collection method: clinical testing. Allele origin: germline.
Comment: This missense variant replaces isoleucine with valine at codon 1239 of the FBN1 protein. Computational prediction suggests that this variant may not impact protein structure and function. To our knowledge, functional studies have not been reported for this variant. This variant has not been reported in individuals affected with FBN1-related disorders in the literature. This variant has been identified in 1/250290 chromosomes in the general population by the Genome Aggregation Database (gnomAD). The available evidence is insufficient to determine the role of this variant in disease conclusively. Therefore, this variant is classified as a Variant of Uncertain Significance.